The following is an entry in ClinVar:

ClinVar aggregate classification (germline): Uncertain significance. Review status: criteria provided, multiple submitters, no conflicts (2 of 4 stars). 2 submissions from 2 submitters: Uncertain significance (2). Last evaluated 2025-11-14.

Conditions:
Dilated cardiomyopathy 1W (CMD1W). Identifiers: Orphanet 154, MedGen C1969639, MONDO:0012667, OMIM 611407.
VCL-related disorder. Also called: VCL-related condition.

Allele frequency attached by ClinVar (database versions not stated): TOPMed below 0.00001; gnomAD 0.00001; gnomAD exomes 0.00001; ExAC 0.00002.
gnomAD v4.1: 12 of 1,614,050 alleles (0.00074%); highest among the groups gnomAD compares: East Asian, 0.025%; no homozygotes.

Submissions (2):

PreventionGenetics, part of Exact Sciences
Classification: Uncertain significance for VCL-related condition. Last evaluated: 2025-11-14. Review status: criteria provided, single submitter. Criteria: ACMG Guidelines, 2015. Collection method: clinical testing. Allele origin: germline.
Comment: The VCL c.282G>A variant is predicted to result in the amino acid substitution p.Met94Ile. This variant has been reported in a case of sudden unexplained nocturnal death, and in vitro functional studies suggest it may affect the function of the cardiac sodium channel (Cheng et al. 2017. PubMed ID: 28218286). This variant is reported in 0.025% of alleles in individuals of East Asian descent in gnomAD. Although we suspect that this variant may be benign, at this time, the clinical significance of this variant is uncertain due to the absence of conclusive functional and genetic evidence.

Labcorp Genetics (formerly Invitae), Labcorp
Classification: Uncertain significance for Dilated cardiomyopathy 1W. Last evaluated: 2025-01-29. Review status: criteria provided, single submitter. Criteria: Invitae Variant Classification Sherloc (09022015). Collection method: clinical testing. Allele origin: germline.
Comment: This sequence change replaces methionine, which is neutral and non-polar, with isoleucine, which is neutral and non-polar, at codon 94 of the VCL protein (p.Met94Ile). This variant is present in population databases (rs774870551, gnomAD 0.03%). This missense change has been observed in individual(s) with clinical features of VCL-related conditions (PMID: 28218286). ClinVar contains an entry for this variant (Variation ID: 2136896). An algorithm developed to predict the effect of missense changes on protein structure and function (PolyPhen-2) suggests that this variant is likely to be disruptive. Experimental studies have shown that this missense change affects VCL function (PMID: 28218286). In summary, the available evidence is currently insufficient to determine the role of this variant in disease. Therefore, it has been classified as a Variant of Uncertain Significance.

Literature cited by the submitters: PubMed 28218286 (cited by Labcorp Genetics (formerly Invitae), Labcorp).

NM_014000.3(VCL):c.282G>A (p.Met94Ile)

Gene: VCL (vinculin; plus strand). Cytogenetic location: 10q22.2.
Variant type: single nucleotide variant.
Coding change: c.282G>A on transcript NM_014000.3 (MANE Select); coding-DNA position 282, G replaced by A.
Protein change: p.Met94Ile; replaces methionine 94 with isoleucine.
Molecular consequence: missense variant.
Genome position (GRCh38, 1-based): chr10:74,070,712, G>A. VCF-style: chr10-74070712-G-A. GRCh37 (hg19) VCF-style: chr10-75830470-G-A.
Other names: c.282G>A, p.Met94Ile (NM_003373.4); short protein forms M94I.
Identifiers: ClinVar variation 2136896 (VCV002136896.4), dbSNP rs774870551, ClinGen allele CA5562745.